The following is an entry in ClinVar:

NM_002047.4(GARS1):c.-40C>A

Gene: GARS1 (glycyl-tRNA synthetase 1; plus strand). Cytogenetic location: 7p14.3.
Variant type: single nucleotide variant.
Coding change: c.-40C>A on transcript NM_002047.4 (MANE Select); 40 bases upstream of the start codon, C replaced by A.
Molecular consequence: 5 prime UTR variant.
Genome position (GRCh38, 1-based): chr7:30,594,882, C>A. VCF-style: chr7-30594882-C-A. GRCh37 (hg19) VCF-style: chr7-30634498-C-A.
Other names: c.-40C>A (LRG_243t1); c.-202C>A (NM_001316772.1).
Identifiers: ClinVar variation 511107 (VCV000511107.1), dbSNP rs775425723, ClinGen allele CA658796916.

ClinVar aggregate classification (germline): Likely benign (1 of 4 stars; one submission).

Allele frequency attached by ClinVar (database versions not stated): TOPMed 0.00001.

Submission:

GeneDx
Classification: Likely benign. Last evaluated: 2017-07-31. Review status: criteria provided, single submitter. Criteria: GeneDx Variant Classification (06012015). Collection method: clinical testing. Allele origin: germline. Affected: yes.
Comment: This variant is considered likely benign or benign based on one or more of the following criteria: it is a conservative change, it occurs at a poorly conserved position in the protein, it is predicted to be benign by multiple in silico algorithms, and/or has population frequency not consistent with disease.